The following is an entry in ClinVar:

ClinVar aggregate classification (germline): Uncertain significance (1 of 4 stars; one submission).

Allele frequency attached by ClinVar (database versions not stated): gnomAD exomes 0.00001; TOPMed 0.00001; gnomAD 0.00002.
gnomAD v4.1: 19 of 1,611,674 alleles (0.0012%); highest among the groups gnomAD compares: Non-Finnish European, 0.0015%; no homozygotes.

Submission:

Ambry Genetics
Classification: Uncertain significance. Last evaluated: 2025-06-15. Review status: criteria provided, single submitter. Criteria: Ambry Variant Classification Scheme 2023. Collection method: clinical testing. Allele origin: germline.
Comment: The p.P76S variant (also known as c.226C>T), located in coding exon 2 of the PKP4 gene, results from a C to T substitution at nucleotide position 226. The proline at codon 76 is replaced by serine, an amino acid with similar properties. This amino acid position is conserved. In addition, the in silico prediction for this alteration is inconclusive. Since supporting evidence is limited at this time, the clinical significance of this alteration remains unclear.

NM_003628.6(PKP4):c.226C>T (p.Pro76Ser)

Gene: PKP4 (plakophilin 4; plus strand). Cytogenetic location: 2q24.1.
Variant type: single nucleotide variant.
Coding change: c.226C>T on transcript NM_003628.6 (MANE Select); coding-DNA position 226, C replaced by T.
Protein change: p.Pro76Ser; replaces proline 76 with serine.
Molecular consequence: missense variant. On other transcripts: 5 prime UTR variant (1).
Genome position (GRCh38, 1-based): chr2:158,577,364, C>T. VCF-style: chr2-158577364-C-T. GRCh37 (hg19) VCF-style: chr2-159433876-C-T.
Other names: c.226C>T, p.Pro76Ser (NM_001304971.2, NM_001377218.1, NM_001377219.1 and 9 more transcripts); c.-724C>T (NM_001304970.3); short protein forms P76S.
Identifiers: ClinVar variation 2561554 (VCV002561554.3), dbSNP rs1485053142, ClinGen allele CA349201732.